The following is an entry in ClinVar:

ClinVar aggregate classification (germline): Uncertain significance (1 of 4 stars; one submission).

Submission:

GeneDx
Classification: Uncertain significance. Last evaluated: 2022-08-16. Review status: criteria provided, single submitter. Criteria: GeneDx Variant Classification Process June 2021. Collection method: clinical testing. Allele origin: germline. Affected: yes.
Comment: Not observed at significant frequency in large population cohorts (gnomAD); In silico analysis supports that this missense variant has a deleterious effect on protein structure/function; Has not been previously published as pathogenic or benign to our knowledge

NM_001291415.2(KDM6A):c.2359G>A (p.Gly787Arg)

Gene: KDM6A (lysine demethylase 6A; plus strand). Cytogenetic location: Xp11.3.
Variant type: single nucleotide variant.
Coding change: c.2359G>A on transcript NM_001291415.2 (MANE Select); coding-DNA position 2359, G replaced by A.
Protein change: p.Gly787Arg; replaces glycine 787 with arginine.
Molecular consequence: missense variant. On other transcripts: non-coding transcript variant (1).
Genome position (GRCh38, 1-based): chrX:45,069,858, G>A. VCF-style: chrX-45069858-G-A. GRCh37 (hg19) VCF-style: chrX-44929103-G-A.
Other names: c.2224G>A, p.Gly742Arg (NM_001291416.2); c.2068G>A, p.Gly690Arg (NM_001291417.2); c.1966G>A, p.Gly656Arg (NM_001291418.2); c.1315G>A, p.Gly439Arg (NM_001291421.2); c.2203G>A, p.Gly735Arg (NM_021140.4); short protein forms G439R, G656R, G690R, G735R, G742R, G787R.
Identifiers: ClinVar variation 1702648 (VCV001702648.2), dbSNP rs2148042923, ClinGen allele CA412793743.